The following is an entry in ClinVar:

NM_033641.4(COL4A6):c.4549C>T (p.Arg1517Cys)

Gene: COL4A6 (collagen type IV alpha 6 chain; minus strand). Cytogenetic location: Xq22.3.
Variant type: single nucleotide variant.
Coding change: c.4549C>T on transcript NM_033641.4 (MANE Select); coding-DNA position 4549, C replaced by T.
Protein change: p.Arg1517Cys; replaces arginine 1517 with cysteine.
Molecular consequence: missense variant.
Genome position (GRCh38, 1-based): chrX:108,159,725, G>A on the plus strand (C>T on the coding strand, the complement: COL4A6 is on the minus strand). VCF-style: chrX-108159725-G-A. GRCh37 (hg19) VCF-style: chrX-107402955-G-A.
Other names: c.4600C>T, p.Arg1534Cys (NM_001287758.2); c.4477C>T, p.Arg1493Cys (NM_001287759.2); c.4378C>T, p.Arg1460Cys (NM_001287760.2); c.4552C>T, p.Arg1518Cys (NM_001847.4); short protein forms R1460C, R1493C, R1517C, R1518C, R1534C.
Identifiers: ClinVar variation 4805337 (VCV004805337.1).

ClinVar aggregate classification (germline): Uncertain significance (1 of 4 stars; one submission).

gnomAD v4.1: 12 of 1,210,196 alleles (0.00099%); highest among the groups gnomAD compares: African/African-American, 0.016%; no homozygotes.

Submission:

Labcorp Genetics (formerly Invitae), Labcorp
Classification: Uncertain significance. Last evaluated: 2025-04-24. Review status: criteria provided, single submitter. Criteria: Invitae Variant Classification Sherloc (09022015). Collection method: clinical testing. Allele origin: germline.
Comment: This sequence change replaces arginine, which is basic and polar, with cysteine, which is neutral and slightly polar, at codon 1518 of the COL4A6 protein (p.Arg1518Cys). This variant is present in population databases (rs371879924, gnomAD 0.02%). This variant has not been reported in the literature in individuals affected with COL4A6-related conditions. Invitae Evidence Modeling of protein sequence and biophysical properties (such as structural, functional, and spatial information, amino acid conservation, physicochemical variation, residue mobility, and thermodynamic stability) indicates that this missense variant is expected to disrupt COL4A6 protein function with a positive predictive value of 80%. In summary, the available evidence is currently insufficient to determine the role of this variant in disease. Therefore, it has been classified as a Variant of Uncertain Significance.